The following is an entry in ClinVar:

NM_000516.7(GNAS):c.848G>A (p.Arg283His)

Gene: GNAS (GNAS complex locus; plus strand). Cytogenetic location: 20q13.32.
Variant type: single nucleotide variant.
Coding change: c.848G>A on transcript NM_000516.7 (MANE Select); coding-DNA position 848, G replaced by A.
Protein change: p.Arg283His; replaces arginine 283 with histidine.
Molecular consequence: missense variant. On other transcripts: 3 prime UTR variant (2).
Genome position (GRCh38, 1-based): chr20:58,909,959, G>A. VCF-style: chr20-58909959-G-A. GRCh37 (hg19) VCF-style: chr20-57485014-G-A.
Other names: c.851G>A, p.Arg284His (NM_001077488.5); c.803G>A, p.Arg268His (NM_001077489.4); c.*709G>A (NM_001077490.3); c.671G>A, p.Arg224His (NM_001309840.2, NM_001309861.2); c.752G>A, p.Arg251His (NM_001410912.1); c.2732G>A, p.Arg911His (NM_001410913.1); c.*754G>A (NM_016592.5); c.2777G>A, p.Arg926His (NM_080425.4); and 1 more; short protein forms R268H, R284H, R911H, R224H, R269H, R251H, R283H, R926H.
Identifiers: ClinVar variation 1997016 (VCV001997016.4), dbSNP rs2146289693, ClinGen allele CA409452918.

ClinVar aggregate classification (germline): Uncertain significance (1 of 4 stars; one submission).

Allele frequency attached by ClinVar (database versions not stated): gnomAD exomes below 0.00001.
gnomAD v4.1: 3 of 1,613,418 alleles (0.00019%); highest among the groups gnomAD compares: Non-Finnish European, 0.00025%; no homozygotes.

Submission:

Labcorp Genetics (formerly Invitae), Labcorp
Classification: Uncertain significance. Last evaluated: 2022-07-08. Review status: criteria provided, single submitter. Criteria: Invitae Variant Classification Sherloc (09022015). Collection method: clinical testing. Allele origin: germline.
Comment: In summary, the available evidence is currently insufficient to determine the role of this variant in disease. Therefore, it has been classified as a Variant of Uncertain Significance. Algorithms developed to predict the effect of missense changes on protein structure and function are either unavailable or do not agree on the potential impact of this missense change (SIFT: "Deleterious"; PolyPhen-2: "Possibly Damaging"; Align-GVGD: "Class C0"). This variant has not been reported in the literature in individuals affected with GNAS-related conditions. This variant is not present in population databases (gnomAD no frequency). This sequence change replaces arginine, which is basic and polar, with histidine, which is basic and polar, at codon 283 of the GNAS protein (p.Arg283His).